The following is an entry in ClinVar:

NM_000186.4(CFH):c.558A>T (p.Gly186=)

Gene: CFH (complement factor H; plus strand). Cytogenetic location: 1q31.3.
Variant type: single nucleotide variant.
Coding change: c.558A>T on transcript NM_000186.4 (MANE Select); coding-DNA position 558, A replaced by T.
Protein change: p.Gly186=; no amino-acid change (glycine 186 retained).
Molecular consequence: synonymous variant.
Genome position (GRCh38, 1-based): chr1:196,677,606, A>T. VCF-style: chr1-196677606-A-T. GRCh37 (hg19) VCF-style: chr1-196646736-A-T.
Other names: c.558A>T, p.Gly186= (NM_001014975.3).
Identifiers: ClinVar variation 2900057 (VCV002900057.5), dbSNP rs752610166, ClinGen allele CA1305089.

ClinVar aggregate classification (germline): Conflicting classifications of pathogenicity. Review status: criteria provided, conflicting classifications (1 of 4 stars). 3 submissions from 3 submitters: Uncertain significance (1); Likely benign (2). Last evaluated 2025-05-13.

Conditions:
Basal laminar drusen. Also called: DRUSEN OF BRUCH MEMBRANE; DRUSEN, CUTICULAR; DRUSEN, EARLY ADULT-ONSET, GROUPED. Identifiers: Orphanet 75376, MedGen C0730295, MONDO:0007472, OMIM 126700.
Factor H deficiency (CFHD). Also called: CFH DEFICIENCY; COMPLEMENT FACTOR H DEFICIENCY. Identifiers: Orphanet 200421, MedGen C0398777, MONDO:0012350, OMIM 609814.
Hemolytic uremic syndrome, atypical, susceptibility to, 1. Also called: AHUS, SUSCEPTIBILITY TO, 1. Identifiers: Orphanet 2134, Orphanet 90038, MedGen C2749604, MONDO:0009335, OMIM 235400. Disease mechanism: Other.
Age related macular degeneration 4. Identifiers: MedGen C1853147, MONDO:0012540, OMIM 610698.
CFH-related disorder. Also called: CFH-related condition; CFH-related disorders.

Allele frequency attached by ClinVar (database versions not stated): ExAC 0.00001; gnomAD exomes 0.00003; gnomAD 0.00008; TOPMed 0.00008.
gnomAD v4.1: 64 of 1,613,212 alleles (0.004%); highest among the groups gnomAD compares: Non-Finnish European, 0.0052%; no homozygotes.

Submissions (3):

Labcorp Genetics (formerly Invitae), Labcorp
Classification: Likely benign. Last evaluated: 2025-05-13. Review status: criteria provided, single submitter. Criteria: Invitae Variant Classification Sherloc (09022015). Collection method: clinical testing. Allele origin: germline.

PreventionGenetics, part of Exact Sciences
Classification: Likely benign for CFH-related condition. Last evaluated: 2024-12-05. Review status: criteria provided, single submitter. Criteria: ACMG Guidelines, 2015. Collection method: clinical testing. Allele origin: germline.
Comment: This variant is classified as likely benign based on ACMG/AMP sequence variant interpretation guidelines (Richards et al. 2015 PMID: 25741868, with internal and published modifications).

Fulgent Genetics
Classification: Uncertain significance for Basal laminar drusen; Hemolytic uremic syndrome, atypical, susceptibility to, 1; Factor H deficiency; Age related macular degeneration 4. Last evaluated: 2024-04-24. Review status: criteria provided, single submitter. Criteria: ACMG Guidelines, 2015. Collection method: clinical testing. Allele origin: germline.